The following is an entry in ClinVar:

NM_001368894.2(PAX6):c.566-1G>T

Gene: PAX6 (paired box 6; minus strand). Cytogenetic location: 11p13.
Variant type: single nucleotide variant.
Coding change: c.566-1G>T on transcript NM_001368894.2 (MANE Select); the canonical splice acceptor site of the intron before coding-DNA position 566, G replaced by T.
Molecular consequence: splice acceptor variant.
Genome position (GRCh38, 1-based): chr11:31,794,789, C>A on the plus strand (G>T on the coding strand, the complement: PAX6 is on the minus strand). VCF-style: chr11-31794789-C-A. GRCh37 (hg19) VCF-style: chr11-31816337-C-A.
Other names: c.116-1G>T (NM_001310161.3, NM_001310160.2, NM_001368899.2 and 11 more transcripts); c.-80-1G>T (NM_001368930.2); c.524-1G>T (NM_001310159.1, NM_001127612.3, NM_001368890.2 and 10 more transcripts); c.365-1G>T (NM_001368921.2, NM_001368923.2, NM_001368926.2 and 4 more transcripts); c.566-1G>T (NM_001258462.3, NM_001310158.2, NM_001258463.2 and 6 more transcripts); c.641-1G>T (NM_001368919.2, NM_001368918.2); c.767-1G>T (NM_001368910.2); c.569-1G>T (NM_001368911.2); and 2 more.
Identifiers: ClinVar variation 2118995 (VCV002118995.4), dbSNP rs1592435632, ClinGen allele CA379957235.

ClinVar aggregate classification (germline): Pathogenic (1 of 4 stars; one submission).

Conditions:
Aniridia 1 (AN1). Identifiers: Orphanet 250923, MedGen C0344542, MONDO:0024507, OMIM 106210.
Irido-corneo-trabecular dysgenesis (ASGD5). Also called: ANTERIOR SEGMENT DYSGENESIS 5. Identifiers: Orphanet 708, MedGen C0344559, MONDO:0011414, OMIM 604229, HP:0000659.

Submission:

Labcorp Genetics (formerly Invitae), Labcorp
Classification: Pathogenic for Aniridia 1; Irido-corneo-trabecular dysgenesis. Last evaluated: 2022-06-08. Review status: criteria provided, single submitter. Criteria: Invitae Variant Classification Sherloc (09022015). Collection method: clinical testing. Allele origin: germline.
Comment: For these reasons, this variant has been classified as Pathogenic. Algorithms developed to predict the effect of sequence changes on RNA splicing suggest that this variant may disrupt the consensus splice site. Disruption of this splice site has been observed in individual(s) with aniridia (Invitae). This variant is not present in population databases (gnomAD no frequency). This sequence change affects an acceptor splice site in intron 7 of the PAX6 gene. It is expected to disrupt RNA splicing. Variants that disrupt the donor or acceptor splice site typically lead to a loss of protein function (PMID: 16199547), and loss-of-function variants in PAX6 are known to be pathogenic (PMID: 12634864).

Literature cited by the submitters: PubMed 16199547; PubMed 12634864.